The following is an entry in ClinVar:

NM_032188.3(KAT8):c.197C>T (p.Pro66Leu)

Gene: KAT8 (lysine acetyltransferase 8; plus strand). Cytogenetic location: 16p11.2.
Variant type: single nucleotide variant.
Coding change: c.197C>T on transcript NM_032188.3 (MANE Select); coding-DNA position 197, C replaced by T.
Protein change: p.Pro66Leu; replaces proline 66 with leucine.
Molecular consequence: missense variant.
Genome position (GRCh38, 1-based): chr16:31,117,878, C>T. VCF-style: chr16-31117878-C-T. GRCh37 (hg19) VCF-style: chr16-31129199-C-T.
Other names: c.197C>T, p.Pro66Leu (NM_182958.4); short protein forms P66L.
Identifiers: ClinVar variation 2571948 (VCV002571948.1), dbSNP rs2544159574, ClinGen allele CA395666255.

ClinVar aggregate classification (germline): Uncertain significance (1 of 4 stars; one submission).

gnomAD v4.1: 1 of 1,331,926 alleles (0.000075%); highest among the groups gnomAD compares: African/African-American, 0.0016%; no homozygotes.

Submission:

GeneDx
Classification: Uncertain significance. Last evaluated: 2023-01-06. Review status: criteria provided, single submitter. Criteria: GeneDx Variant Classification Process June 2021. Collection method: clinical testing. Allele origin: germline. Affected: yes.
Comment: Not observed at significant frequency in large population cohorts (gnomAD); In silico analysis supports that this missense variant does not alter protein structure/function; Has not been previously published as pathogenic or benign to our knowledge